The following is an entry in ClinVar:

ClinVar aggregate classification (germline): Uncertain significance (1 of 4 stars; one submission).

Allele frequency attached by ClinVar (database versions not stated): TOPMed 0.00001.
gnomAD v4.1: 6 of 1,613,856 alleles (0.00037%); highest among the groups gnomAD compares: African/African-American, 0.0027%; no homozygotes.

Submission:

Labcorp Genetics (formerly Invitae), Labcorp
Classification: Uncertain significance. Last evaluated: 2024-12-18. Review status: criteria provided, single submitter. Criteria: Invitae Variant Classification Sherloc (09022015). Collection method: clinical testing. Allele origin: germline.
Comment: This sequence change replaces valine, which is neutral and non-polar, with isoleucine, which is neutral and non-polar, at codon 1357 of the CAD protein (p.Val1357Ile). This variant is present in population databases (no rsID available, gnomAD 0.007%). This variant has not been reported in the literature in individuals affected with CAD-related conditions. ClinVar contains an entry for this variant (Variation ID: 1464762). Invitae Evidence Modeling of protein sequence and biophysical properties (such as structural, functional, and spatial information, amino acid conservation, physicochemical variation, residue mobility, and thermodynamic stability) indicates that this missense variant is not expected to disrupt CAD protein function with a negative predictive value of 80%. In summary, the available evidence is currently insufficient to determine the role of this variant in disease. Therefore, it has been classified as a Variant of Uncertain Significance.

NM_004341.5(CAD):c.4069G>A (p.Val1357Ile)

Gene: CAD (carbamoyl-phosphate synthetase 2, aspartate transcarbamylase, and dihydroorotase; plus strand). Cytogenetic location: 2p23.3.
Variant type: single nucleotide variant.
Coding change: c.4069G>A on transcript NM_004341.5 (MANE Select); coding-DNA position 4069, G replaced by A.
Protein change: p.Val1357Ile; replaces valine 1357 with isoleucine.
Molecular consequence: missense variant.
Genome position (GRCh38, 1-based): chr2:27,235,635, G>A. VCF-style: chr2-27235635-G-A. GRCh37 (hg19) VCF-style: chr2-27458503-G-A.
Other names: c.3880G>A, p.Val1294Ile (NM_001306079.2); short protein forms V1294I, V1357I.
Identifiers: ClinVar variation 1464762 (VCV001464762.7), dbSNP rs778120732, ClinGen allele CA44510813.